The following is an entry in ClinVar:

ClinVar aggregate classification (germline): Pathogenic/Likely pathogenic. Review status: criteria provided, multiple submitters, no conflicts (2 of 4 stars). 3 submissions from 3 submitters: Pathogenic (1); Likely pathogenic (2). Last evaluated 2024-02-05.

Conditions:
Trimethylaminuria (TMAU). Also called: FISH-ODOR SYNDROME; Fish malodor syndrome; Stale fish syndrome; TMAuria; Primary Trimethylaminuria. Identifiers: MedGen C0342739, MONDO:0011182, OMIM 602079, HP:0003614. Disease mechanism: loss of function.

Allele frequency attached by ClinVar (database versions not stated): gnomAD 0.00001; gnomAD exomes 0.00001; TOPMed 0.00001; ExAC 0.00002.

Submissions (3):

Labcorp Genetics (formerly Invitae), Labcorp
Classification: Pathogenic. Last evaluated: 2024-02-05. Review status: criteria provided, single submitter. Criteria: Invitae Variant Classification Sherloc (09022015). Collection method: clinical testing. Allele origin: germline.
Comment: This sequence change creates a premature translational stop signal (p.Ser374Valfs*10) in the FMO3 gene. It is expected to result in an absent or disrupted protein product. Loss-of-function variants in FMO3 are known to be pathogenic (PMID: 20301282). This variant is present in population databases (rs767079173, gnomAD 0.002%). This premature translational stop signal has been observed in individual(s) with primary trimethylaminuria (PMID: 23791655). This variant is also known as p.Gln373GlnfsX11. Algorithms developed to predict the effect of sequence changes on RNA splicing suggest that this variant may disrupt the consensus splice site. For these reasons, this variant has been classified as Pathogenic.

Fulgent Genetics
Classification: Likely pathogenic for Trimethylaminuria. Last evaluated: 2024-01-25. Review status: criteria provided, single submitter. Criteria: ACMG Guidelines, 2015. Collection method: clinical testing. Allele origin: germline.

Kariminejad - Najmabadi Pathology & Genetics Center
Classification: Likely pathogenic for Trimethylaminuria. Review status: criteria provided, single submitter. Criteria: ACMG Guidelines, 2015. Collection method: clinical testing. Allele origin: germline. Affected: no.

Literature cited by the submitters: PubMed 20301282 (cited by Labcorp Genetics (formerly Invitae), Labcorp); PubMed 23791655 (cited by Labcorp Genetics (formerly Invitae), Labcorp).

NM_001002294.3(FMO3):c.1118dup (p.Ser374fs)

Gene: FMO3 (flavin containing dimethylaniline monoxygenase 3; plus strand). Cytogenetic location: 1q24.3.
Variant type: Duplication.
Coding change: c.1118dup on transcript NM_001002294.3 (MANE Select); coding-DNA position 1118, one base duplicated (A; older notation c.1118dupA).
Protein change: p.Ser374fs; shifts the reading frame from serine 374.
Molecular consequence: frameshift variant.
Genome position (GRCh38, 1-based): chr1:171,114,297, A duplicated. VCF-style (leftmost placement, unchanged base first): chr1-171114296-C-CA. GRCh37 (hg19) VCF-style: chr1-171083436-C-CA.
Other names: c.1058dup, p.Ser354fs (NM_001319173.2); c.929dup, p.Ser311fs (NM_001319174.2); c.1118dup, p.Ser374fs (NM_006894.6); short protein forms S311fs, S354fs, S374fs.
Identifiers: ClinVar variation 2717713 (VCV002717713.5), dbSNP rs767079173, ClinGen allele CA1240730.
Genomic context (GRCh38, chr1:171,114,296, plus strand): 5'-TTTAAAGGAGTATTTCCTCCTCTACTTGAGAAGTCAACCATAGCAGTGATTGGCTTTGTC[C>CA]AGTCCCTTGGGGCTGCCATTCCCACAGTTGACCTCCAGTCCCGCTGGGCAGCACAAGTAA-3'